The following is an entry in ClinVar:

ClinVar aggregate classification (germline): Likely benign. Review status: criteria provided, single submitter (1 of 4 stars). 2 submissions from 2 submitters: Likely benign (1). 1 of the submissions does not count toward it. Last evaluated 2025-03-22.

Conditions:
Familial meningioma. Also called: Meningioma, familial, susceptibility to. Identifiers: Orphanet 263662, MedGen C3551915, MONDO:0011789, OMIM 607174.
CSMD3-related disorder. Also called: CSMD3-related condition.

Allele frequency attached by ClinVar (database versions not stated): TOPMed 0.00030; 1000 Genomes Project 30x 0.00031; ESP Exome Variant Server 0.00031; ExAC 0.00012; gnomAD 0.00018; 1000 Genomes Project 0.00020.
gnomAD v4.1: 708 of 1,595,762 alleles (0.044%); highest among the groups gnomAD compares: Non-Finnish European, 0.057%; no homozygotes.

Submissions (2):

Dr. Guy Rouleau's laboratory, McGill University
Classification: Likely benign for Familial meningioma. Last evaluated: 2025-03-22. Review status: criteria provided, single submitter. Criteria: ACMG Guidelines, 2015. Collection method: research. Allele origin: germline. Affected: yes.
Comment: This intronic variant is located at the position -4 before the exon 64 in CSMD3 gene and is predicted benign by several bioninformatic tools. This variant has an entry in Clinvar (ID: 3048612) and has been reported in population database (gnomAD v2.1.1 allele frequency=0.0001809, exome coverage = 48X).

PreventionGenetics, part of Exact Sciences
Classification: Likely benign for CSMD3-related condition. Last evaluated: 2019-03-28. Review status: no assertion criteria provided. Collection method: clinical testing. Allele origin: germline. Not counted in ClinVar's aggregate classification.
Comment: This variant is classified as likely benign based on ACMG/AMP sequence variant interpretation guidelines (Richards et al. 2015 PMID: 25741868, with internal and published modifications).

NM_198123.2(CSMD3):c.10111-4A>G

Gene: CSMD3 (CUB and Sushi multiple domains 3; minus strand). Cytogenetic location: 8q23.3.
Variant type: single nucleotide variant.
Coding change: c.10111-4A>G on transcript NM_198123.2 (MANE Select); 4 bases into the intron before coding-DNA position 10111, A replaced by G.
Molecular consequence: intron variant.
Genome position (GRCh38, 1-based): chr8:112,247,135, T>C on the plus strand (A>G on the coding strand, the complement: CSMD3 is on the minus strand). VCF-style: chr8-112247135-T-C. GRCh37 (hg19) VCF-style: chr8-113259364-T-C.
Other names: c.9511-4A>G (NM_001363185.1); c.9604-4A>G (NM_052900.3); c.9991-4A>G (NM_198124.2).
Identifiers: ClinVar variation 3048612 (VCV003048612.3), dbSNP rs377197883, ClinGen allele CA4848474.